The following is an entry in ClinVar:

ClinVar aggregate classification (germline): Uncertain significance (1 of 4 stars; one submission).

Allele frequency attached by ClinVar (database versions not stated): gnomAD 0.00001; 1000 Genomes Project 0.00020; 1000 Genomes Project 30x 0.00031.
gnomAD v4.1: 1 of 1,613,404 alleles (0.000062%); highest among the groups gnomAD compares: African/African-American, 0.0013%; no homozygotes.

Submission:

Labcorp Genetics (formerly Invitae), Labcorp
Classification: Uncertain significance. Last evaluated: 2022-04-27. Review status: criteria provided, single submitter. Criteria: Invitae Variant Classification Sherloc (09022015). Collection method: clinical testing. Allele origin: germline.
Comment: This variant is not present in population databases (gnomAD no frequency). In summary, the available evidence is currently insufficient to determine the role of this variant in disease. Therefore, it has been classified as a Variant of Uncertain Significance. Algorithms developed to predict the effect of missense changes on protein structure and function output the following: SIFT: "Tolerated"; PolyPhen-2: "Benign"; Align-GVGD: "Class C0". The lysine amino acid residue is found in multiple mammalian species, which suggests that this missense change does not adversely affect protein function. This variant has not been reported in the literature in individuals affected with CAPN5-related conditions. This sequence change replaces asparagine, which is neutral and polar, with lysine, which is basic and polar, at codon 583 of the CAPN5 protein (p.Asn583Lys).

NM_004055.5(CAPN5):c.1749C>G (p.Asn583Lys)

Gene: CAPN5 (calpain 5; plus strand). Cytogenetic location: 11q13.5.
Variant type: single nucleotide variant.
Coding change: c.1749C>G on transcript NM_004055.5 (MANE Select); coding-DNA position 1749, C replaced by G.
Protein change: p.Asn583Lys; replaces asparagine 583 with lysine.
Molecular consequence: missense variant.
Genome position (GRCh38, 1-based): chr11:77,123,696, C>G. VCF-style: chr11-77123696-C-G. GRCh37 (hg19) VCF-style: chr11-76834742-C-G.
Other names: short protein forms N583K.
Identifiers: ClinVar variation 2129246 (VCV002129246.4), dbSNP rs564632586, ClinGen allele CA224832198.